The following is an entry in ClinVar:

ClinVar aggregate classification (germline): Uncertain significance. Review status: criteria provided, multiple submitters, no conflicts (2 of 4 stars). 3 submissions from 3 submitters: Uncertain significance (3). Last evaluated 2026-08-10.

Conditions:
DNM2-related disorder. Also called: DNM2-related condition.
Charcot-Marie-Tooth disease dominant intermediate B (CMTDIB). Also called: CHARCOT-MARIE-TOOTH NEUROPATHY, DOMINANT INTERMEDIATE B; Charcot-Marie-Tooth disease dominant intermediate 1; CMT DI1; Charcot-Marie-Tooth disease dominant intermediate I. Identifiers: Orphanet 100044, Orphanet 228179, MedGen C1847902, MONDO:0011674, OMIM 606482.
Autosomal dominant centronuclear myopathy. Also called: Myopathy, centronuclear, 3; MYOTUBULAR MYOPATHY, AUTOSOMAL DOMINANT. Identifiers: Orphanet 169189, MedGen C4551952, MeSH D020914, MONDO:0008048, OMIM 160150.

Allele frequency attached by ClinVar (database versions not stated): gnomAD 0.00002 and 0.00004; TOPMed 0.00003; ExAC 0.00008.
gnomAD v4.1: 113 of 1,613,282 alleles (0.007%); highest among the groups gnomAD compares: South Asian, 0.065%; 1 homozygote.

Submissions (3):

PreventionGenetics, part of Exact Sciences
Classification: Uncertain significance for DNM2-related condition. Last evaluated: 2026-08-10. Review status: criteria provided, single submitter. Criteria: ACMG Guidelines, 2015. Collection method: clinical testing. Allele origin: germline.
Comment: The DNM2 c.812G>A variant is predicted to result in the amino acid substitution p.Arg271His. To our knowledge, this variant has not been reported in the literature. This variant is reported in 0.036% of alleles in individuals of South Asian descent in gnomAD, including one homozygote. At this time, the clinical significance of this variant is uncertain due to the absence of conclusive functional and genetic evidence.

Labcorp Genetics (formerly Invitae), Labcorp
Classification: Uncertain significance for Charcot-Marie-Tooth disease dominant intermediate B. Last evaluated: 2024-10-05. Review status: criteria provided, single submitter. Criteria: Invitae Variant Classification Sherloc (09022015). Collection method: clinical testing. Allele origin: germline.
Comment: This sequence change replaces arginine, which is basic and polar, with histidine, which is basic and polar, at codon 271 of the DNM2 protein (p.Arg271His). This variant is present in population databases (rs781546006, gnomAD 0.04%), including at least one homozygous and/or hemizygous individual. This variant has not been reported in the literature in individuals affected with DNM2-related conditions. ClinVar contains an entry for this variant (Variation ID: 650073). Invitae Evidence Modeling of protein sequence and biophysical properties (such as structural, functional, and spatial information, amino acid conservation, physicochemical variation, residue mobility, and thermodynamic stability) has been performed for this missense variant. However, the output from this modeling did not meet the statistical confidence thresholds required to predict the impact of this variant on DNM2 protein function. In summary, the available evidence is currently insufficient to determine the role of this variant in disease. Therefore, it has been classified as a Variant of Uncertain Significance.

Department of Pathology and Laboratory Medicine, Sinai Health System
Classification: Uncertain significance for autosomal dominant centronuclear myopathy. Last evaluated: 2022-06-01. Review status: criteria provided, single submitter. Criteria: ACMG Guidelines, 2015. Collection method: research. Allele origin: germline.

NM_001005361.3(DNM2):c.812G>A (p.Arg271His)

Gene: DNM2 (dynamin 2; plus strand). Cytogenetic location: 19p13.2.
Variant type: single nucleotide variant.
Coding change: c.812G>A on transcript NM_001005361.3 (MANE Select); coding-DNA position 812, G replaced by A.
Protein change: p.Arg271His; replaces arginine 271 with histidine.
Molecular consequence: missense variant.
Genome position (GRCh38, 1-based): chr19:10,783,083, G>A. VCF-style: chr19-10783083-G-A. GRCh37 (hg19) VCF-style: chr19-10893759-G-A.
Other names: c.812G>A, p.Arg271His (NM_001005360.3, NM_001005362.3, NM_001190716.2 and 1 more transcripts); short protein forms R271H.
Identifiers: ClinVar variation 650073 (VCV000650073.13), dbSNP rs781546006, ClinGen allele CA9200894.